The following is an entry in ClinVar:

ClinVar aggregate classification (germline): Uncertain significance (1 of 4 stars; one submission).

Conditions:
Cardiovascular phenotype. Identifiers: MedGen CN230736.

Submission:

Ambry Genetics
Classification: Uncertain significance for Cardiovascular phenotype. Last evaluated: 2013-03-11. Review status: criteria provided, single submitter. Criteria: Ambry Autosomal Dominant and X-Linked criteria (10/2015). Collection method: clinical testing. Allele origin: germline. Observed: 1 variant allele.
Comment: There is insufficient or conflicting evidence for classification of this alteration.

NM_004415.4(DSP):c.6772A>G (p.Ser2258Gly)

Gene: DSP (desmoplakin; plus strand). Cytogenetic location: 6p24.3.
Variant type: single nucleotide variant.
Coding change: c.6772A>G on transcript NM_004415.4 (MANE Select); coding-DNA position 6772, A replaced by G.
Protein change: p.Ser2258Gly; replaces serine 2258 with glycine.
Molecular consequence: missense variant.
Genome position (GRCh38, 1-based): chr6:7,584,034, A>G. VCF-style: chr6-7584034-A-G. GRCh37 (hg19) VCF-style: chr6-7584267-A-G.
Other names: c.4975A>G, p.Ser1659Gly (NM_001008844.3); c.5443A>G, p.Ser1815Gly (NM_001319034.2); c.6772A>G (LRG_423t1); short protein forms S2258G, S1815G, S1659G.
Identifiers: ClinVar variation 263534 (VCV000263534.3), dbSNP rs886038842, ClinGen allele CA10587635.